The following is an entry in ClinVar:

NM_018060.4(IARS2):c.951G>A (p.Lys317=)

Gene: IARS2 (isoleucyl-tRNA synthetase 2, mitochondrial; plus strand). Cytogenetic location: 1q41.
Variant type: single nucleotide variant.
Coding change: c.951G>A on transcript NM_018060.4 (MANE Select); coding-DNA position 951, G replaced by A.
Protein change: p.Lys317=; no amino-acid change (lysine 317 retained).
Molecular consequence: synonymous variant.
Genome position (GRCh38, 1-based): chr1:220,103,447, G>A. VCF-style: chr1-220103447-G-A. GRCh37 (hg19) VCF-style: chr1-220276789-G-A.
Identifiers: ClinVar variation 252717 (VCV000252717.31), dbSNP rs146236436, ClinGen allele CA1401267.

ClinVar aggregate classification (germline): Conflicting classifications of pathogenicity. Review status: criteria provided, conflicting classifications (1 of 4 stars). 5 submissions from 5 submitters: Uncertain significance (2); Likely benign (3). Last evaluated 2026-09-23.

Conditions:
IARS2-related disorder. Also called: IARS2-related condition.
Inborn genetic diseases. Identifiers: MedGen C0950123, MeSH D030342.

Allele frequency attached by ClinVar (database versions not stated): 1000 Genomes Project 30x 0.00016; 1000 Genomes Project 0.00020; TOPMed 0.00067; ESP Exome Variant Server 0.00069; gnomAD 0.00074 and 0.00076.

Submissions (5):

PreventionGenetics, part of Exact Sciences
Classification: Likely benign for IARS2-related condition. Last evaluated: 2026-09-23. Review status: criteria provided, single submitter. Criteria: ACMG Guidelines, 2015. Collection method: clinical testing. Allele origin: germline.
Comment: This variant is classified as likely benign based on ACMG/AMP sequence variant interpretation guidelines (Richards et al. 2015 PMID: 25741868, with internal and published modifications).

CeGaT Center for Human Genetics Tuebingen
Classification: Likely benign. Last evaluated: 2026-07-01. Review status: criteria provided, single submitter. Criteria: CeGaT Center For Human Genetics Tuebingen Variant Classification Criteria Version 2. Collection method: clinical testing. Allele origin: germline. Affected: yes. Observed: 5 variant alleles.
Comment: IARS2: BP4, BP7

Labcorp Genetics (formerly Invitae), Labcorp
Classification: Uncertain significance. Last evaluated: 2022-10-24. Review status: criteria provided, single submitter. Criteria: Invitae Variant Classification Sherloc (09022015). Collection method: clinical testing. Allele origin: germline.
Comment: This sequence change affects codon 317 of the IARS2 mRNA. It is a 'silent' change, meaning that it does not change the encoded amino acid sequence of the IARS2 protein. It affects a nucleotide within the consensus splice site. This variant is present in population databases (rs146236436, gnomAD 0.1%), and has an allele count higher than expected for a pathogenic variant. This variant has not been reported in the literature in individuals affected with IARS2-related conditions. ClinVar contains an entry for this variant (Variation ID: 252717). Algorithms developed to predict the effect of sequence changes on RNA splicing suggest that this variant is not likely to affect RNA splicing. In summary, the available evidence is currently insufficient to determine the role of this variant in disease. Therefore, it has been classified as a Variant of Uncertain Significance.

Ambry Genetics
Classification: Likely benign for Inborn genetic diseases. Last evaluated: 2021-07-23. Review status: criteria provided, single submitter. Criteria: Ambry Variant Classification Scheme 2023. Collection method: clinical testing. Allele origin: germline.

Genomic Diagnostic Laboratory, Division of Genomic Diagnostics, Children's Hospital of Philadelphia
Classification: Uncertain significance. Last evaluated: 2015-10-31. Review status: criteria provided, single submitter. Criteria: DGD Variant Analysis Guidelines. Collection method: clinical testing. Allele origin: unknown.